The following is an entry in ClinVar:

NM_001034850.3(RETREG1):c.44C>T (p.Pro15Leu)

Genes: RETREG1 (reticulophagy regulator 1; minus strand), RETREG1-AS1 (RETREG1 antisense RNA 1; plus strand), LOC129993734 (ATAC-STARR-seq lymphoblastoid silent region 15947; plus strand). Cytogenetic location: 5p15.1.
Variant type: single nucleotide variant.
Coding change: c.44C>T on transcript NM_001034850.3 (MANE Select); coding-DNA position 44, C replaced by T.
Protein change: p.Pro15Leu; replaces proline 15 with leucine.
Molecular consequence: missense variant.
Genome position (GRCh38, 1-based): chr5:16,616,928, G>A on the plus strand (C>T on the coding strand, the complement: RETREG1 is on the minus strand). VCF-style: chr5-16616928-G-A. GRCh37 (hg19) VCF-style: chr5-16617037-G-A.
Other names: c.44C>T (NM_001034850.1); short protein forms P15L.
Identifiers: ClinVar variation 234805 (VCV000234805.10), dbSNP rs876661228, ClinGen allele CA10577326.
Genomic context (GRCh38, chr5:16,616,928, plus strand): 5'-GCGGGGGATGCCTGGGGCGGTGGCGGCGACGGCGGCGCCTGCTCCTCGGCGGCAGGAGCC[G>A]GGCATCCCTCCTCGGCGTGCTCCGGAGGCGCCGGGCTCGCCATCTTCAGCTGTGCTTCCA-3'
Protein context (NP_001030022.1, residues 5-25): APPEHAEEGC[Pro15Leu]APAAEEQAPP

ClinVar aggregate classification (germline): Uncertain significance. Review status: criteria provided, multiple submitters, no conflicts (2 of 4 stars). 3 submissions from 3 submitters: Uncertain significance (3). Last evaluated 2025-05-19.

Conditions:
Inborn genetic diseases. Identifiers: MedGen C0950123, MeSH D030342.

gnomAD v4.1: 4 of 1,475,766 alleles (0.00027%); highest among the groups gnomAD compares: Non-Finnish European, 0.00036%; no homozygotes.

Submissions (3):

Labcorp Genetics (formerly Invitae), Labcorp
Classification: Uncertain significance. Last evaluated: 2025-05-19. Review status: criteria provided, single submitter. Criteria: Invitae Variant Classification Sherloc (09022015). Collection method: clinical testing. Allele origin: germline.
Comment: This sequence change replaces proline, which is neutral and non-polar, with leucine, which is neutral and non-polar, at codon 15 of the RETREG1 protein (p.Pro15Leu). This variant is not present in population databases (gnomAD no frequency). This variant has not been reported in the literature in individuals affected with RETREG1-related conditions. ClinVar contains an entry for this variant (Variation ID: 234805). Experimental studies and prediction algorithms are not available or were not evaluated, and the functional significance of this variant is currently unknown. In summary, the available evidence is currently insufficient to determine the role of this variant in disease. Therefore, it has been classified as a Variant of Uncertain Significance.

Ambry Genetics
Classification: Uncertain significance for Inborn genetic diseases. Last evaluated: 2025-05-17. Review status: criteria provided, single submitter. Criteria: Ambry Variant Classification Scheme 2023. Collection method: clinical testing. Allele origin: germline.

GeneDx
Classification: Uncertain significance. Last evaluated: 2016-02-09. Review status: criteria provided, single submitter. Criteria: GeneDx Variant Classification (06012015). Collection method: clinical testing. Allele origin: germline. Affected: yes.
Comment: The P15L variant has not been published as a pathogenic variant, nor has it been reported as a benign variant to our knowledge. It was not observed in approximately 2,300 individuals of European and African American ancestry in the NHLBI Exome Sequencing Project, indicating it is not a common benign variant in these populations. The P15L variant is a semi-conservative amino acid substitution, which may impact secondary protein structure as these residues differ in some properties. This substitution occurs at a position that is conserved across species. However, missense variants in the FAM134B gene have not been reported in association with neuropathy (Stenson et al., 2014). In silico analysis is inconsistent in its predictions as to whether or not the variant is damaging to the protein structure/function. Therefore, based on the currently available information, it is unclear whether this variant is a pathogenic variant or a rare benign variant.